The following is an entry in ClinVar:

NM_001008537.3(NEXMIF):c.3322A>G (p.Ser1108Gly)

Gene: NEXMIF (neurite extension and migration factor; minus strand). Cytogenetic location: Xq13.3.
Variant type: single nucleotide variant.
Coding change: c.3322A>G on transcript NM_001008537.3 (MANE Select); coding-DNA position 3322, A replaced by G.
Protein change: p.Ser1108Gly; replaces serine 1108 with glycine.
Molecular consequence: missense variant.
Genome position (GRCh38, 1-based): chrX:74,741,235, T>C on the plus strand (A>G on the coding strand, the complement: NEXMIF is on the minus strand). VCF-style: chrX-74741235-T-C. GRCh37 (hg19) VCF-style: chrX-73961070-T-C.
Other names: short protein forms S1108G.
Identifiers: ClinVar variation 3299395 (VCV003299395.4).

ClinVar aggregate classification (germline): Uncertain significance. Review status: criteria provided, multiple submitters, no conflicts (2 of 4 stars). 2 submissions from 2 submitters: Uncertain significance (2). Last evaluated 2025-08-11.

gnomAD v4.1: 2 of 1,211,532 alleles (0.00017%); highest among the groups gnomAD compares: Middle Eastern, 0.046%; no homozygotes.

Submissions (3):

Labcorp Genetics (formerly Invitae), Labcorp
Classification: Uncertain significance. Last evaluated: 2025-08-11. Review status: criteria provided, single submitter. Criteria: Invitae Variant Classification Sherloc (09022015). Collection method: clinical testing. Allele origin: germline.
Comment: This sequence change replaces serine, which is neutral and polar, with glycine, which is neutral and non-polar, at codon 1108 of the NEXMIF protein (p.Ser1108Gly). This variant is not present in population databases (gnomAD no frequency). This variant has not been reported in the literature in individuals affected with NEXMIF-related conditions. ClinVar contains an entry for this variant (Variation ID: 3299395). An algorithm developed to predict the effect of missense changes on protein structure and function (PolyPhen-2) suggests that this variant is likely to be tolerated. In summary, the available evidence is currently insufficient to determine the role of this variant in disease. Therefore, it has been classified as a Variant of Uncertain Significance.

Ambry Genetics
Classification: Uncertain significance. Last evaluated: 2024-05-14. Review status: criteria provided, single submitter. Criteria: Ambry Variant Classification Scheme 2023. Collection method: clinical testing. Allele origin: germline.

Dr. Peter K. Rogan Lab, Western University
No classification provided (evidence only). Condition: Thyroid cancer, nonmedullary, 1. Review status: no classification provided. Collection method: in vitro. Allele origin: not applicable. Functional consequence: retained intron. Not counted in ClinVar's aggregate classification.